The following is an entry in ClinVar:

ClinVar aggregate classification (germline): Uncertain significance. Review status: criteria provided, multiple submitters, no conflicts (2 of 4 stars). 2 submissions from 2 submitters: Uncertain significance (2). Last evaluated 2024-09-30.

Conditions:
Juvenile polyposis syndrome (JPS). Identifiers: Orphanet 2929, MedGen C0345893, MONDO:0017380, OMIM 174900.
Hereditary cancer-predisposing syndrome. Also called: Neoplastic Syndromes, Hereditary; Hereditary Cancer Syndrome; Tumor predisposition; Hereditary neoplastic syndrome. Identifiers: Orphanet 140162, MedGen C0027672, MeSH D009386, MONDO:0015356.

Submissions (2):

Ambry Genetics
Classification: Uncertain significance for Hereditary cancer-predisposing syndrome. Last evaluated: 2024-09-30. Review status: criteria provided, single submitter. Criteria: Ambry Variant Classification Scheme 2023. Collection method: clinical testing. Allele origin: germline.
Comment: The p.R20L variant (also known as c.59G>T), located in coding exon 1 of the BMPR1A gene, results from a G to T substitution at nucleotide position 59. The arginine at codon 20 is replaced by leucine, an amino acid with dissimilar properties. This amino acid position is conserved. In addition, this alteration is predicted to be tolerated by in silico analysis. Based on the available evidence, the clinical significance of this variant remains unclear.

Labcorp Genetics (formerly Invitae), Labcorp
Classification: Uncertain significance for Juvenile polyposis syndrome. Last evaluated: 2021-07-16. Review status: criteria provided, single submitter. Criteria: Invitae Variant Classification Sherloc (09022015). Collection method: clinical testing. Allele origin: germline.
Comment: In summary, the available evidence is currently insufficient to determine the role of this variant in disease. Therefore, it has been classified as a Variant of Uncertain Significance. Algorithms developed to predict the effect of missense changes on protein structure and function (SIFT, PolyPhen-2, Align-GVGD) all suggest that this variant is likely to be tolerated, but these predictions have not been confirmed by published functional studies and their clinical significance is uncertain. This variant has not been reported in the literature in individuals with BMPR1A-related disease. This variant is not present in population databases (ExAC no frequency). This sequence change replaces arginine with leucine at codon 20 of the BMPR1A protein (p.Arg20Leu). The arginine residue is weakly conserved and there is a moderate physicochemical difference between arginine and leucine.

NM_004329.3(BMPR1A):c.59G>T (p.Arg20Leu)

Gene: BMPR1A (bone morphogenetic protein receptor type 1A; plus strand). Cytogenetic location: 10q23.2.
Variant type: single nucleotide variant.
Coding change: c.59G>T on transcript NM_004329.3 (MANE Select); coding-DNA position 59, G replaced by T.
Protein change: p.Arg20Leu; replaces arginine 20 with leucine.
Molecular consequence: missense variant.
Genome position (GRCh38, 1-based): chr10:86,876,077, G>T. VCF-style: chr10-86876077-G-T. GRCh37 (hg19) VCF-style: chr10-88635834-G-T.
Other names: short protein forms R20L.
Identifiers: ClinVar variation 581873 (VCV000581873.11), dbSNP rs759014147, ClinGen allele CA377774861.